The following is an entry in ClinVar:

NM_000051.4(ATM):c.7882A>G (p.Ile2628Val)

Genes: ATM (ATM serine/threonine kinase; plus strand), C11orf65 (chromosome 11 open reading frame 65; minus strand). Cytogenetic location: 11q22.3.
Variant type: single nucleotide variant.
Coding change: c.7882A>G on transcript NM_000051.4 (MANE Select); coding-DNA position 7882, A replaced by G.
Protein change: p.Ile2628Val; replaces isoleucine 2628 with valine.
Molecular consequence: missense variant. On other transcripts: intron variant (2).
Genome position (GRCh38, 1-based): chr11:108,332,855, A>G. VCF-style: chr11-108332855-A-G. GRCh37 (hg19) VCF-style: chr11-108203582-A-G.
Other names: c.7882A>G, p.Ile2628Val (NM_001351834.2); c.641-23784T>C (NM_001330368.2); c.*38+2365T>C (NM_001351110.2); short protein forms I2628V.
Identifiers: ClinVar variation 140920 (VCV000140920.14), dbSNP rs587781370, ClinGen allele CA163917.

ClinVar aggregate classification (germline): Uncertain significance. Review status: criteria provided, multiple submitters, no conflicts (2 of 4 stars). 2 submissions from 2 submitters: Uncertain significance (2). Last evaluated 2025-04-03.

Conditions:
Hereditary cancer-predisposing syndrome. Also called: Neoplastic Syndromes, Hereditary; Hereditary Cancer Syndrome; Tumor predisposition; Hereditary neoplastic syndrome. Identifiers: Orphanet 140162, MedGen C0027672, MeSH D009386, MONDO:0015356.
Ataxia-telangiectasia syndrome (AT). Also called: Ataxia-telangiectasia, complementation group D; AT, COMPLEMENTATION GROUP C; Ataxia-telangiectasia; ATAXIA-TELANGIECTASIA, COMPLEMENTATION GROUP A; ATAXIA-TELANGIECTASIA, FRESNO VARIANT; Ataxia-telangiectasia, complementation group E. Identifiers: Orphanet 100, MedGen C0004135, MONDO:0008840, OMIM 208900.

Allele frequency attached by ClinVar (database versions not stated): gnomAD exomes below 0.00001.
gnomAD v4.1: 1 of 1,613,266 alleles (0.000062%); highest among the groups gnomAD compares: Non-Finnish European, 0.000085%; no homozygotes.

Submissions (2):

Labcorp Genetics (formerly Invitae), Labcorp
Classification: Uncertain significance for Ataxia-telangiectasia syndrome. Last evaluated: 2025-04-03. Review status: criteria provided, single submitter. Criteria: Invitae Variant Classification Sherloc (09022015). Collection method: clinical testing. Allele origin: germline.
Comment: This sequence change replaces isoleucine, which is neutral and non-polar, with valine, which is neutral and non-polar, at codon 2628 of the ATM protein (p.Ile2628Val). This variant is not present in population databases (gnomAD no frequency). This variant has not been reported in the literature in individuals affected with ATM-related conditions. ClinVar contains an entry for this variant (Variation ID: 140920). Invitae Evidence Modeling of protein sequence and biophysical properties (such as structural, functional, and spatial information, amino acid conservation, physicochemical variation, residue mobility, and thermodynamic stability) indicates that this missense variant is not expected to disrupt ATM protein function with a negative predictive value of 95%. In summary, the available evidence is currently insufficient to determine the role of this variant in disease. Therefore, it has been classified as a Variant of Uncertain Significance.

Ambry Genetics
Classification: Uncertain significance for Hereditary cancer-predisposing syndrome. Last evaluated: 2025-02-26. Review status: criteria provided, single submitter. Criteria: Ambry Variant Classification Scheme 2023. Collection method: clinical testing. Allele origin: germline.
Comment: The p.I2628V variant (also known as c.7882A>G), located in coding exon 52 of the ATM gene, results from an A to G substitution at nucleotide position 7882. The isoleucine at codon 2628 is replaced by valine, an amino acid with highly similar properties. This amino acid position is highly conserved in available vertebrate species. In addition, the in silico prediction for this alteration is inconclusive. Based on the available evidence, the clinical significance of this variant remains unclear.